The following is an entry in ClinVar:

NM_001010892.3(RSPH4A):c.2021A>G (p.Glu674Gly)

Gene: RSPH4A (radial spoke head component 4A; plus strand). Cytogenetic location: 6q22.1.
Variant type: single nucleotide variant.
Coding change: c.2021A>G on transcript NM_001010892.3 (MANE Select); coding-DNA position 2021, A replaced by G.
Protein change: p.Glu674Gly; replaces glutamic acid 674 with glycine.
Molecular consequence: missense variant. On other transcripts: 3 prime UTR variant (1).
Genome position (GRCh38, 1-based): chr6:116,632,311, A>G. VCF-style: chr6-116632311-A-G. GRCh37 (hg19) VCF-style: chr6-116953474-A-G.
Other names: c.*82A>G (NM_001161664.2); short protein forms E674G.
Identifiers: ClinVar variation 238208 (VCV000238208.11), dbSNP rs368369580, ClinGen allele CA3971104.

ClinVar aggregate classification (germline): Uncertain significance. Review status: criteria provided, multiple submitters, no conflicts (2 of 4 stars). 4 submissions from 4 submitters: Uncertain significance (4). Last evaluated 2024-09-10.

Conditions:
Primary ciliary dyskinesia. Also called: Ciliary dyskinesia. Identifiers: Orphanet 244, MedGen C0008780, MONDO:0016575, HP:0012265.

Allele frequency attached by ClinVar (database versions not stated): ExAC 0.00005; gnomAD exomes 0.00006 and 0.00020; gnomAD 0.00007 and 0.00009; TOPMed 0.00011; ESP Exome Variant Server 0.00023.

Submissions (4):

Blueprint Genetics
Classification: Uncertain significance. Last evaluated: 2024-09-10. Review status: criteria provided, single submitter. Criteria: ACMG Guidelines, 2015. Collection method: clinical testing. Allele origin: germline.

Ambry Genetics
Classification: Uncertain significance for Primary ciliary dyskinesia. Last evaluated: 2023-12-13. Review status: criteria provided, single submitter. Criteria: Ambry Variant Classification Scheme 2023. Collection method: clinical testing. Allele origin: germline.

Labcorp Genetics (formerly Invitae), Labcorp
Classification: Uncertain significance for Primary ciliary dyskinesia. Last evaluated: 2022-08-21. Review status: criteria provided, single submitter. Criteria: Invitae Variant Classification Sherloc (09022015). Collection method: clinical testing. Allele origin: germline.
Comment: This sequence change replaces glutamic acid, which is acidic and polar, with glycine, which is neutral and non-polar, at codon 674 of the RSPH4A protein (p.Glu674Gly). This variant is present in population databases (rs368369580, gnomAD 0.01%). This variant has not been reported in the literature in individuals affected with RSPH4A-related conditions. ClinVar contains an entry for this variant (Variation ID: 238208). Algorithms developed to predict the effect of missense changes on protein structure and function are either unavailable or do not agree on the potential impact of this missense change (SIFT: "Deleterious"; PolyPhen-2: "Benign"; Align-GVGD: "Class C0"). In summary, the available evidence is currently insufficient to determine the role of this variant in disease. Therefore, it has been classified as a Variant of Uncertain Significance.

UNC Molecular Genetics  Laboratory, University of North Carolina at Chapel Hill
Classification: Uncertain significance for Primary ciliary dyskinesia. Last evaluated: 2019-01-15. Review status: criteria provided, single submitter. Criteria: ACMG Guidelines, 2015. Collection method: clinical testing. Allele origin: germline. Affected: yes. Observed: 1 compound heterozygote.